The following is an entry in ClinVar:

ClinVar aggregate classification (germline): Uncertain significance (1 of 4 stars; one submission).

Conditions:
Hereditary cancer-predisposing syndrome. Also called: Hereditary neoplastic syndrome; Neoplastic Syndromes, Hereditary; Tumor predisposition; Hereditary Cancer Syndrome. Identifiers: Orphanet 140162, MedGen C0027672, MeSH D009386, MONDO:0015356.

Submission:

Ambry Genetics
Classification: Uncertain significance for Hereditary cancer-predisposing syndrome. Last evaluated: 2025-08-27. Review status: criteria provided, single submitter. Criteria: Ambry Variant Classification Scheme 2023. Collection method: clinical testing. Allele origin: germline.
Comment: The p.Q260E variant (also known as c.778C>G), located in coding exon 9 of the MUTYH gene, results from a C to G substitution at nucleotide position 778. The glutamine at codon 260 is replaced by glutamic acid, an amino acid with highly similar properties. This amino acid position is conserved. In addition, this alteration is predicted to be tolerated by in silico analysis. Based on the available evidence, the clinical significance of this variant remains unclear.

NM_001048174.2(MUTYH):c.694C>G (p.Gln232Glu)

Gene: MUTYH (mutY DNA glycosylase; minus strand). Cytogenetic location: 1p34.1.
Variant type: single nucleotide variant.
Coding change: c.694C>G on transcript NM_001048174.2 (MANE Select); coding-DNA position 694, C replaced by G.
Protein change: p.Gln232Glu; replaces glutamine 232 with glutamic acid.
Molecular consequence: missense variant. On other transcripts: non-coding transcript variant (7).
Genome position (GRCh38, 1-based): chr1:45,332,401, G>C on the plus strand (C>G on the coding strand, the complement: MUTYH is on the minus strand). VCF-style: chr1-45332401-G-C. GRCh37 (hg19) VCF-style: chr1-45798073-G-C.
Other names: c.778C>G, p.Gln260Glu (NM_001128425.2); c.739C>G, p.Gln247Glu (NM_001293190.2); c.727C>G, p.Gln243Glu (NM_001293191.2, NM_001407069.1, NM_001407077.1); c.418C>G, p.Gln140Glu (NM_001293192.2, NM_001293196.2, NM_001407091.1); c.694C>G, p.Gln232Glu (NM_001293195.2, NM_001407088.1, NM_001407089.1 and 6 more transcripts); c.349C>G, p.Gln117Glu (NM_001350650.2, NM_001350651.2, NM_001407082.1); c.736C>G, p.Gln246Glu (NM_001407083.1, NM_001407085.1); c.697C>G, p.Gln233Glu (NM_001407086.1, NM_001048172.2, NM_001407071.1 and 1 more transcripts); and 5 more; short protein forms Q257E, Q218E, Q219E, Q246E, Q140E, Q233E, Q239E, Q117E.
Identifiers: ClinVar variation 4113832 (VCV004113832.1).